The following is an entry in ClinVar:

NM_001458.5(FLNC):c.3421C>G (p.Pro1141Ala)

Gene: FLNC (filamin C; plus strand). Cytogenetic location: 7q32.1.
Variant type: single nucleotide variant.
Coding change: c.3421C>G on transcript NM_001458.5 (MANE Select); coding-DNA position 3421, C replaced by G.
Protein change: p.Pro1141Ala; replaces proline 1141 with alanine.
Molecular consequence: missense variant.
Genome position (GRCh38, 1-based): chr7:128,844,886, C>G. VCF-style: chr7-128844886-C-G. GRCh37 (hg19) VCF-style: chr7-128484940-C-G.
Other names: c.3421C>G, p.Pro1141Ala (NM_001127487.2); short protein forms P1141A.
Identifiers: ClinVar variation 3515942 (VCV003515942.2).
Genomic context (GRCh38, chr7:128,844,886, plus strand): 5'-TACCTGCCCACGGAGCCTGGCGAGTACACCATCAACATCCTGTTTGCTGAGGCCCACATC[C>G]CTGGCTCGCCCTTCAAAGCCACCATTCGGCCTGTGTTTGACCCGAGCAAGGTGCGGGCCA-3'
Protein context (NP_001449.3, residues 1131-1151): INILFAEAHI[Pro1141Ala]GSPFKATIRP

ClinVar aggregate classification (germline): Uncertain significance. Review status: criteria provided, multiple submitters, no conflicts (2 of 4 stars). 2 submissions from 2 submitters: Uncertain significance (2). Last evaluated 2025-11-03.

Conditions:
Distal myopathy with posterior leg and anterior hand involvement. Also called: WILLIAMS DISTAL MYOPATHY. Identifiers: Orphanet 63273, MedGen C3279722, MONDO:0013550, OMIM 614065.
Hypertrophic cardiomyopathy 26. Also called: Cardiomyopathy, familial hypertrophic, 26. Identifiers: Orphanet 75249, MedGen C4310749, MONDO:0014883, OMIM 617047.
Myofibrillar myopathy 5. Also called: Filaminopathy (type); FILAMINOPATHY, AUTOSOMAL DOMINANT. Identifiers: Orphanet 171445, MedGen C1836050, MONDO:0012289, OMIM 609524.
Cardiovascular phenotype. Identifiers: MedGen CN230736.

gnomAD v4.1: 1 of 1,613,996 alleles (0.000062%); highest among the groups gnomAD compares: Non-Finnish European, 0.000085%; no homozygotes.

Submissions (2):

Labcorp Genetics (formerly Invitae), Labcorp
Classification: Uncertain significance for Distal myopathy with posterior leg and anterior hand involvement; Myofibrillar myopathy 5; Hypertrophic cardiomyopathy 26. Last evaluated: 2025-11-03. Review status: criteria provided, single submitter. Criteria: Invitae Variant Classification Sherloc (09022015). Collection method: clinical testing. Allele origin: germline.
Comment: This sequence change replaces proline, which is neutral and non-polar, with alanine, which is neutral and non-polar, at codon 1141 of the FLNC protein (p.Pro1141Ala). This variant is not present in population databases (gnomAD no frequency). This variant has not been reported in the literature in individuals affected with FLNC-related conditions. ClinVar contains an entry for this variant (Variation ID: 3515942). Invitae Evidence Modeling of protein sequence and biophysical properties (such as structural, functional, and spatial information, amino acid conservation, physicochemical variation, residue mobility, and thermodynamic stability) has been performed for this missense variant. However, the output from this modeling did not meet the statistical confidence thresholds required to predict the impact of this variant on FLNC protein function. In summary, the available evidence is currently insufficient to determine the role of this variant in disease. Therefore, it has been classified as a Variant of Uncertain Significance.

Ambry Genetics
Classification: Uncertain significance for Cardiovascular phenotype. Last evaluated: 2024-09-08. Review status: criteria provided, single submitter. Criteria: Ambry Variant Classification Scheme 2023. Collection method: clinical testing. Allele origin: germline.
Comment: The p.P1141A variant (also known as c.3421C>G), located in coding exon 21 of the FLNC gene, results from a C to G substitution at nucleotide position 3421. The proline at codon 1141 is replaced by alanine, an amino acid with highly similar properties. This amino acid position is conserved. In addition, the in silico prediction for this alteration is inconclusive. Based on the available evidence, the clinical significance of this variant remains unclear.